The following is an entry in ClinVar:

ClinVar aggregate classification (germline): Benign. Review status: criteria provided, multiple submitters, no conflicts (2 of 4 stars). 3 submissions from 3 submitters: Benign (3). Last evaluated 2025-03-04.

Allele frequency attached by ClinVar (database versions not stated): gnomAD exomes 0.00211 and 0.00558; ExAC 0.00675; gnomAD 0.02096 and 0.02223; 1000 Genomes Project 0.02416; ESP Exome Variant Server 0.02453; TOPMed 0.02467; 1000 Genomes Project 30x 0.02561.
gnomAD v4.1: 6,314 of 1,562,352 alleles (0.4%); highest among the groups gnomAD compares: African/African-American, 7.1%; 204 homozygotes.

Submissions (3):

Center for Genomic Medicine, Rigshospitalet, Copenhagen University Hospital
Classification: Benign. Last evaluated: 2025-03-04. Review status: criteria provided, single submitter. Criteria: ACMG Guidelines, 2015. Collection method: clinical testing. Allele origin: germline.

GeneDx
Classification: Benign. Last evaluated: 2018-06-18. Review status: criteria provided, single submitter. Criteria: GeneDx Variant Classification (06012015). Collection method: clinical testing. Allele origin: germline. Affected: yes.
Comment: This variant is considered likely benign or benign based on one or more of the following criteria: it is a conservative change, it occurs at a poorly conserved position in the protein, it is predicted to be benign by multiple in silico algorithms, and/or has population frequency not consistent with disease.

Breakthrough Genomics
Classification: Benign. Review status: criteria provided, single submitter. Criteria: ACMG Guidelines, 2015. Collection method: not provided. Allele origin: germline. Inheritance: Autosomal dominant inheritance. Affected: yes.

NM_002691.4(POLD1):c.1687-50C>T

Gene: POLD1 (DNA polymerase delta 1, catalytic subunit; plus strand). Cytogenetic location: 19q13.33.
Variant type: single nucleotide variant.
Coding change: c.1687-50C>T on transcript NM_002691.4 (MANE Select); 50 bases into the intron before coding-DNA position 1687, C replaced by T.
Molecular consequence: intron variant.
Genome position (GRCh38, 1-based): chr19:50,407,277, C>T. VCF-style: chr19-50407277-C-T. GRCh37 (hg19) VCF-style: chr19-50910534-C-T.
Other names: c.1687-50C>T (NM_001256849.1, NM_001308632.1).
Identifiers: ClinVar variation 676547 (VCV000676547.9), dbSNP rs3219400, ClinGen allele CA9596222.